The following is an entry in ClinVar:

NM_018972.4(GDAP1):c.908C>T (p.Ala303Val)

Gene: GDAP1 (ganglioside induced differentiation associated protein 1; plus strand). Cytogenetic location: 8q21.11.
Variant type: single nucleotide variant.
Coding change: c.908C>T on transcript NM_018972.4 (MANE Select); coding-DNA position 908, C replaced by T.
Protein change: p.Ala303Val; replaces alanine 303 with valine.
Molecular consequence: missense variant. On other transcripts: intron variant (1).
Genome position (GRCh38, 1-based): chr8:74,364,198, C>T. VCF-style: chr8-74364198-C-T. GRCh37 (hg19) VCF-style: chr8-75276433-C-T.
Other names: c.704C>T, p.Ala235Val (NM_001040875.4); c.581C>T, p.Ala194Val (NM_001362929.2, NM_001362932.2); c.734C>T, p.Ala245Val (NM_001362930.2); c.694+1145C>T (NM_001362931.2); short protein forms A245V, A194V, A303V, A235V.
Identifiers: ClinVar variation 1440999 (VCV001440999.8), dbSNP rs1440025936, ClinGen allele CA371550523.
Genomic context (GRCh38, chr8:74,364,198, plus strand): 5'-TCTTGAAGAGAAAAACATTTAACAAGGTTTTAGGACATGTCAACAATATATTAATCTCTG[C>T]AGTGCTGCCAACAGCATTCCGGGTGGCCAAGAAAAGGGCCCCAAAAGTTCTTGGCACGAC-3'
Protein context (NP_061845.2, residues 293-313): LGHVNNILIS[Ala303Val]VLPTAFRVAK

ClinVar aggregate classification (germline): Uncertain significance (1 of 4 stars; one submission).

Conditions:
Charcot-Marie-Tooth disease type 4A. Also called: Charcot-Marie-Tooth disease, demyelinating, autosomal recessive, type 4a. Identifiers: Orphanet 99948, MedGen C1859198, MONDO:0008961, OMIM 214400.

Allele frequency attached by ClinVar (database versions not stated): gnomAD exomes below 0.00001 and 0.00001.
gnomAD v4.1: 10 of 1,614,090 alleles (0.00062%); highest among the groups gnomAD compares: Non-Finnish European, 0.00076%; no homozygotes.

Submission:

Labcorp Genetics (formerly Invitae), Labcorp
Classification: Uncertain significance for Charcot-Marie-Tooth disease type 4A. Last evaluated: 2021-02-22. Review status: criteria provided, single submitter. Criteria: Invitae Variant Classification Sherloc (09022015). Collection method: clinical testing. Allele origin: germline.
Comment: In summary, the available evidence is currently insufficient to determine the role of this variant in disease. Therefore, it has been classified as a Variant of Uncertain Significance. This sequence change replaces alanine with valine at codon 303 of the GDAP1 protein (p.Ala303Val). The alanine residue is highly conserved and there is a small physicochemical difference between alanine and valine. This variant is not present in population databases (ExAC no frequency). This variant has not been reported in the literature in individuals with GDAP1-related conditions. Advanced modeling of protein sequence and biophysical properties (such as structural, functional, and spatial information, amino acid conservation, physicochemical variation, residue mobility, and thermodynamic stability) performed at Invitae indicates that this missense variant is expected to disrupt GDAP1 protein function.